The following is an entry in ClinVar:

NM_022489.4(INF2):c.1950-19G>A

Gene: INF2 (inverted formin 2; plus strand). Cytogenetic location: 14q32.33.
Variant type: single nucleotide variant.
Coding change: c.1950-19G>A on transcript NM_022489.4 (MANE Select); 19 bases into the intron before coding-DNA position 1950, G replaced by A.
Molecular consequence: intron variant.
Genome position (GRCh38, 1-based): chr14:104,709,262, G>A. VCF-style: chr14-104709262-G-A. GRCh37 (hg19) VCF-style: chr14-105175599-G-A.
Other names: c.1950-19G>A (NM_001031714.4).
Identifiers: ClinVar variation 2925184 (VCV002925184.3), dbSNP rs745859621, ClinGen allele CA7372756.

ClinVar aggregate classification (germline): Uncertain significance (1 of 4 stars; one submission).

Conditions:
Focal segmental glomerulosclerosis 5 (FSGS5). Identifiers: Orphanet 656, MedGen C2750475, MONDO:0013191, OMIM 613237.
Charcot-Marie-Tooth disease dominant intermediate E. Also called: CHARCOT-MARIE-TOOTH NEUROPATHY WITH FOCAL SEGMENTAL GLOMERULONEPHRITIS. Identifiers: Orphanet 93114, MedGen C4302667, MONDO:0013758, OMIM 614455.

Allele frequency attached by ClinVar (database versions not stated): ExAC 0.00001; TOPMed 0.00001.
gnomAD v4.1: 10 of 1,599,324 alleles (0.00063%); highest among the groups gnomAD compares: East Asian, 0.0022%; no homozygotes.

Submission:

Labcorp Genetics (formerly Invitae), Labcorp
Classification: Uncertain significance for Charcot-Marie-Tooth disease dominant intermediate E; Focal segmental glomerulosclerosis 5. Last evaluated: 2023-04-21. Review status: criteria provided, single submitter. Criteria: Invitae Variant Classification Sherloc (09022015). Collection method: clinical testing. Allele origin: germline.
Comment: In summary, the available evidence is currently insufficient to determine the role of this variant in disease. Therefore, it has been classified as a Variant of Uncertain Significance. Algorithms developed to predict the effect of sequence changes on RNA splicing suggest that this variant may create or strengthen a splice site. This variant has not been reported in the literature in individuals affected with INF2-related conditions. The frequency data for this variant in the population databases is considered unreliable, as metrics indicate poor data quality at this position in the gnomAD database. This sequence change falls in intron 10 of the INF2 gene. It does not directly change the encoded amino acid sequence of the INF2 protein.